The following is an entry in ClinVar:

NM_000193.4(SHH):c.931C>A (p.Pro311Thr)

Gene: SHH (sonic hedgehog signaling molecule; minus strand). Cytogenetic location: 7q36.3.
Variant type: single nucleotide variant.
Coding change: c.931C>A on transcript NM_000193.4 (MANE Select); coding-DNA position 931, C replaced by A.
Protein change: p.Pro311Thr; replaces proline 311 with threonine.
Molecular consequence: missense variant. On other transcripts: intron variant (1).
Genome position (GRCh38, 1-based): chr7:155,803,358, G>T on the plus strand (C>A on the coding strand, the complement: SHH is on the minus strand). VCF-style: chr7-155803358-G-T. GRCh37 (hg19) VCF-style: chr7-155596052-G-T.
Other names: c.301+2938C>A (NM_001310462.2); short protein forms P311T.
Identifiers: ClinVar variation 3368457 (VCV003368457.2).

ClinVar aggregate classification (germline): Uncertain significance (1 of 4 stars; one submission).

Submission:

GeneDx
Classification: Uncertain significance. Last evaluated: 2025-10-01. Review status: criteria provided, single submitter. Criteria: GeneDx Variant Classification Process June 2021. Collection method: clinical testing. Allele origin: germline.
Comment: Not observed at significant frequency in large population cohorts (gnomAD); In silico analysis supports that this missense variant has a deleterious effect on protein structure/function; Has not been previously published as pathogenic or benign to our knowledge